The following is an entry in ClinVar:

ClinVar aggregate classification (germline): Likely benign (0 of 4 stars; one submission).

Conditions:
CDK20-related disorder. Also called: CDK20-related condition.

Submission:

PreventionGenetics, part of Exact Sciences
Classification: Likely benign for CDK20-related condition. Last evaluated: 2022-01-03. Review status: no assertion criteria provided. Collection method: clinical testing. Allele origin: germline.
Comment: This variant is classified as likely benign based on ACMG/AMP sequence variant interpretation guidelines (Richards et al. 2015 PMID: 25741868, with internal and published modifications).

NM_001039803.3(CDK20):c.76-52CT[2]

Gene: CDK20 (cyclin dependent kinase 20; minus strand). Cytogenetic location: 9q22.1.
Variant type: Microsatellite.
Coding change: c.76-52CT[2] on transcript NM_001039803.3 (MANE Select); two copies in a row of the 2-base unit CT starting at c.76-52; the reference has three copies in a row; one copy, 2 bases deleted.
Molecular consequence: intron variant.
Genome position (GRCh38, 1-based): chr9:87,974,082-87,974,083, AG deleted on the plus strand (CT on the coding strand, the reverse complement: CDK20 is on the minus strand); deleting any 2 consecutive bases within chr9:87,974,082-87,974,088 gives the same sequence; the position shown is the placement nearest the transcript's 3' end. VCF-style (leftmost placement, unchanged base first): chr9-87974081-AAG-A. GRCh37 (hg19) VCF-style: chr9-90588996-AAG-A.
Other names: c.76-52CT[2] (NM_001170640.2, NM_001170639.2, NM_012119.5); c.76-13CT[2] (NM_178432.4).
Identifiers: ClinVar variation 3036788 (VCV003036788.2), dbSNP rs771482988, ClinGen allele CA5114355.